The following is an entry in ClinVar:

ClinVar aggregate classification (germline): Uncertain significance (1 of 4 stars; one submission).

Conditions:
Neuropathy, hereditary sensory and autonomic, type 1C. Also called: HSAN IC; HSN IC. Identifiers: Orphanet 36386, MedGen C3150896, MONDO:0013337, OMIM 613640.

gnomAD v4.1: 1 of 1,614,088 alleles (0.000062%); no homozygotes.

Submission:

Labcorp Genetics (formerly Invitae), Labcorp
Classification: Uncertain significance for Neuropathy, hereditary sensory and autonomic, type 1C. Last evaluated: 2019-11-20. Review status: criteria provided, single submitter. Criteria: Invitae Variant Classification Sherloc (09022015). Collection method: clinical testing. Allele origin: germline.
Comment: This variant has not been reported in the literature in individuals with SPTLC2-related conditions. Algorithms developed to predict the effect of missense changes on protein structure and function (SIFT, PolyPhen-2, Align-GVGD) all suggest that this variant is likely to be tolerated, but these predictions have not been confirmed by published functional studies and their clinical significance is uncertain. In summary, the available evidence is currently insufficient to determine the role of this variant in disease. Therefore, it has been classified as a Variant of Uncertain Significance. This variant is not present in population databases (ExAC no frequency). This sequence change replaces glutamine with arginine at codon 152 of the SPTLC2 protein (p.Gln152Arg). The glutamine residue is weakly conserved and there is a small physicochemical difference between glutamine and arginine.

NM_004863.4(SPTLC2):c.455A>G (p.Gln152Arg)

Gene: SPTLC2 (serine palmitoyltransferase long chain base subunit 2; minus strand). Cytogenetic location: 14q24.3.
Variant type: single nucleotide variant.
Coding change: c.455A>G on transcript NM_004863.4 (MANE Select); coding-DNA position 455, A replaced by G.
Protein change: p.Gln152Arg; replaces glutamine 152 with arginine.
Molecular consequence: missense variant.
Genome position (GRCh38, 1-based): chr14:77,578,982, T>C on the plus strand (A>G on the coding strand, the complement: SPTLC2 is on the minus strand). VCF-style: chr14-77578982-T-C. GRCh37 (hg19) VCF-style: chr14-78045325-T-C.
Other names: short protein forms Q152R.
Identifiers: ClinVar variation 850810 (VCV000850810.9), dbSNP rs2079732655, ClinGen allele CA390700524.